The following is an entry in ClinVar:

NM_052872.4(IL17F):c.34-1G>A

Gene: IL17F (interleukin 17F; minus strand). Cytogenetic location: 6p12.2.
Variant type: single nucleotide variant.
Coding change: c.34-1G>A on transcript NM_052872.4 (MANE Select); the canonical splice acceptor site of the intron before coding-DNA position 34, G replaced by A.
Molecular consequence: splice acceptor variant.
Genome position (GRCh38, 1-based): chr6:52,238,951, C>T on the plus strand (G>A on the coding strand, the complement: IL17F is on the minus strand). VCF-style: chr6-52238951-C-T. GRCh37 (hg19) VCF-style: chr6-52103749-C-T.
Identifiers: ClinVar variation 2844089 (VCV002844089.3), dbSNP rs2532690014, ClinGen allele CA364445329.

ClinVar aggregate classification (germline): Uncertain significance (1 of 4 stars; one submission).

Conditions:
Candidiasis, familial, 6 (CANDF6). Also called: Candidiasis, familial, 6, autosomal dominant. Identifiers: Orphanet 1334, MedGen C3151405, MONDO:0013503, OMIM 613956.

Submission:

Labcorp Genetics (formerly Invitae), Labcorp
Classification: Uncertain significance for Candidiasis, familial, 6. Last evaluated: 2023-03-08. Review status: criteria provided, single submitter. Criteria: Invitae Variant Classification Sherloc (09022015). Collection method: clinical testing. Allele origin: germline.
Comment: This sequence change affects an acceptor splice site in intron 1 of the IL17F gene. It is expected to disrupt RNA splicing. Variants that disrupt the donor or acceptor splice site typically lead to a loss of protein function (PMID: 16199547), however the current clinical and genetic evidence is not sufficient to establish whether loss-of-function variants in IL17F cause disease. This variant is not present in population databases (gnomAD no frequency). This variant has not been reported in the literature in individuals affected with IL17F-related conditions. Algorithms developed to predict the effect of sequence changes on RNA splicing suggest that this variant may disrupt the consensus splice site. In summary, the available evidence is currently insufficient to determine the role of this variant in disease. Therefore, it has been classified as a Variant of Uncertain Significance.

Literature cited by the submitters: PubMed 16199547.